The following is an entry in ClinVar:

NM_004304.5(ALK):c.4304A>C (p.Glu1435Ala)

Gene: ALK (ALK receptor tyrosine kinase; minus strand). Cytogenetic location: 2p23.2.
Variant type: single nucleotide variant.
Coding change: c.4304A>C on transcript NM_004304.5 (MANE Select); coding-DNA position 4304, A replaced by C.
Protein change: p.Glu1435Ala; replaces glutamic acid 1435 with alanine.
Molecular consequence: missense variant.
Genome position (GRCh38, 1-based): chr2:29,193,783, T>G on the plus strand (A>C on the coding strand, the complement: ALK is on the minus strand). VCF-style: chr2-29193783-T-G. GRCh37 (hg19) VCF-style: chr2-29416649-T-G.
Other names: c.1100A>C, p.Glu367Ala (NM_001353765.2); short protein forms E1435A, E367A.
Identifiers: ClinVar variation 3853778 (VCV003853778.1).

ClinVar aggregate classification (germline): Uncertain significance (1 of 4 stars; one submission).

Conditions:
Hereditary cancer-predisposing syndrome. Also called: Hereditary neoplastic syndrome; Neoplastic Syndromes, Hereditary; Tumor predisposition; Hereditary Cancer Syndrome. Identifiers: Orphanet 140162, MedGen C0027672, MeSH D009386, MONDO:0015356.

Submission:

Ambry Genetics
Classification: Uncertain significance for Hereditary cancer-predisposing syndrome. Last evaluated: 2025-02-02. Review status: criteria provided, single submitter. Criteria: Ambry Variant Classification Scheme 2023. Collection method: clinical testing. Allele origin: germline.
Comment: The p.E1435A variant (also known as c.4304A>C), located in coding exon 29 of the ALK gene, results from an A to C substitution at nucleotide position 4304. The glutamic acid at codon 1435 is replaced by alanine, an amino acid with dissimilar properties. This amino acid position is conserved. In addition, this alteration is predicted to be tolerated by in silico analysis. Based on the available evidence, the clinical significance of this variant remains unclear.